The following is an entry in ClinVar:

NM_032043.3(BRIP1):c.3611G>C (p.Ser1204Thr)

Gene: BRIP1 (BRCA1 interacting DNA helicase 1; minus strand). Cytogenetic location: 17q23.2.
Variant type: single nucleotide variant.
Coding change: c.3611G>C on transcript NM_032043.3 (MANE Select); coding-DNA position 3611, G replaced by C.
Protein change: p.Ser1204Thr; replaces serine 1204 with threonine.
Molecular consequence: missense variant.
Genome position (GRCh38, 1-based): chr17:61,683,435, C>G on the plus strand (G>C on the coding strand, the complement: BRIP1 is on the minus strand). VCF-style: chr17-61683435-C-G. GRCh37 (hg19) VCF-style: chr17-59760796-C-G.
Other names: short protein forms S1204T.
Identifiers: ClinVar variation 3482417 (VCV003482417.1).

ClinVar aggregate classification (germline): Uncertain significance (1 of 4 stars; one submission).

Conditions:
Hereditary cancer-predisposing syndrome. Also called: Tumor predisposition; Neoplastic Syndromes, Hereditary; Hereditary Cancer Syndrome; Hereditary neoplastic syndrome. Identifiers: Orphanet 140162, MedGen C0027672, MeSH D009386, MONDO:0015356.

Submission:

Ambry Genetics
Classification: Uncertain significance for Hereditary cancer-predisposing syndrome. Last evaluated: 2024-09-19. Review status: criteria provided, single submitter. Criteria: Ambry Variant Classification Scheme 2023. Collection method: clinical testing. Allele origin: germline.
Comment: The p.S1204T variant (also known as c.3611G>C), located in coding exon 19 of the BRIP1 gene, results from a G to C substitution at nucleotide position 3611. The serine at codon 1204 is replaced by threonine, an amino acid with similar properties. This amino acid position is conserved. In addition, this alteration is predicted to be tolerated by in silico analysis. Based on the available evidence, the clinical significance of this variant remains unclear.